The following is an entry in ClinVar:

NM_001077365.2(POMT1):c.548C>A (p.Ser183Tyr)

Gene: POMT1 (protein O-mannosyltransferase 1; plus strand). Cytogenetic location: 9q34.13.
Variant type: single nucleotide variant.
Coding change: c.548C>A on transcript NM_001077365.2 (MANE Select); coding-DNA position 548, C replaced by A.
Protein change: p.Ser183Tyr; replaces serine 183 with tyrosine.
Molecular consequence: missense variant. On other transcripts: 5 prime UTR variant (1), non-coding transcript variant (10).
Genome position (GRCh38, 1-based): chr9:131,509,751, C>A. VCF-style: chr9-131509751-C-A. GRCh37 (hg19) VCF-style: chr9-134385138-C-A.
Other names: c.386C>A, p.Ser129Tyr (NM_001077366.2, NM_001353194.2, NM_001353197.2 and 3 more transcripts); c.548C>A, p.Ser183Tyr (NM_001136113.2, NM_001353193.2, NM_001374690.1 and 1 more transcripts); c.197C>A, p.Ser66Tyr (NM_001136114.2, NM_001353195.2, NM_001353199.2 and 2 more transcripts); c.458C>A, p.Ser153Tyr (NM_001353196.2); c.92C>A, p.Ser31Tyr (NM_001353200.2, NM_001374695.1); c.-589C>A (NM_001411024.1); short protein forms S129Y, S153Y, S183Y, S31Y, S66Y.
Identifiers: ClinVar variation 4686228 (VCV004686228.1).
Genomic context (GRCh38, chr9:131,509,751, plus strand): 5'-TGGAAATGTGTCTGAACTATTTCTGTCTCCATCTGCTTTGTTTTTATTCCAGCCCTTTTT[C>A]TCTGAGCTGGTGGTTCTGGCTAACACTGACAGGGGTCGCTTGTTCCTGTGCAGTGGGGTG-3'
Protein context (NP_001070833.1, residues 173-193): FFNCQKHSPF[Ser183Tyr]LSWWFWLTLT

ClinVar aggregate classification (germline): Uncertain significance (1 of 4 stars; one submission).

Submission:

GeneDx
Classification: Uncertain significance. Last evaluated: 2025-07-16. Review status: criteria provided, single submitter. Criteria: GeneDx Variant Classification Process June 2021. Collection method: clinical testing. Allele origin: germline. Affected: yes.
Comment: Not observed at significant frequency in large population cohorts (gnomAD); In silico analysis supports that this missense variant has a deleterious effect on protein structure/function; Has not been previously published as pathogenic or benign to our knowledge; This variant is associated with the following publications: (PMID: 22549409)